The following is an entry in ClinVar:

NM_182914.3(SYNE2):c.15165A>G (p.Gln5055=)

Gene: SYNE2 (spectrin repeat containing nuclear envelope protein 2; plus strand). Cytogenetic location: 14q23.2.
Variant type: single nucleotide variant.
Coding change: c.15165A>G on transcript NM_182914.3 (MANE Select); coding-DNA position 15165, A replaced by G.
Protein change: p.Gln5055=; no amino-acid change (glutamine 5055 retained).
Molecular consequence: synonymous variant.
Genome position (GRCh38, 1-based): chr14:64,141,947, A>G. VCF-style: chr14-64141947-A-G. GRCh37 (hg19) VCF-style: chr14-64608665-A-G.
Other names: c.15165A>G, p.Gln5055= (NM_015180.6).
Identifiers: ClinVar variation 282464 (VCV000282464.15), dbSNP rs145021738, ClinGen allele CA7223009.

ClinVar aggregate classification (germline): Conflicting classifications of pathogenicity. Review status: criteria provided, conflicting classifications (1 of 4 stars). 3 submissions from 3 submitters: Uncertain significance (1); Likely benign (2). Last evaluated 2025-07-25.

Conditions:
SYNE2-related disorder. Also called: SYNE2-related condition.
Emery-Dreifuss muscular dystrophy 5, autosomal dominant (EDMD5). Also called: EMERY-DREIFUSS MUSCULAR DYSTROPHY 5. Identifiers: Orphanet 261, MedGen C2751805, MONDO:0013072, OMIM 612999.

Allele frequency attached by ClinVar (database versions not stated): gnomAD exomes 0.00001 and 0.00004; ExAC 0.00004; TOPMed 0.00014; gnomAD 0.00016; ESP Exome Variant Server 0.00023.
gnomAD v4.1: 41 of 1,613,996 alleles (0.0025%); highest among the groups gnomAD compares: African/African-American, 0.051%; no homozygotes.

Submissions (3):

Labcorp Genetics (formerly Invitae), Labcorp
Classification: Likely benign for Emery-Dreifuss muscular dystrophy 5, autosomal dominant. Last evaluated: 2025-07-25. Review status: criteria provided, single submitter. Criteria: Invitae Variant Classification Sherloc (09022015). Collection method: clinical testing. Allele origin: germline.

PreventionGenetics, part of Exact Sciences
Classification: Likely benign for SYNE2-related condition. Last evaluated: 2025-04-12. Review status: criteria provided, single submitter. Criteria: ACMG Guidelines, 2015. Collection method: clinical testing. Allele origin: germline.
Comment: This variant is classified as likely benign based on ACMG/AMP sequence variant interpretation guidelines (Richards et al. 2015 PMID: 25741868, with internal and published modifications).

Eurofins Ntd Llc (ga)
Classification: Uncertain significance. Last evaluated: 2015-10-13. Review status: criteria provided, single submitter. Criteria: EGL Classification Definitions 2015. Collection method: clinical testing. Allele origin: germline. Observed: 1 variant allele, 1 heterozygote.